The following is an entry in ClinVar:

NM_207361.6(FREM2):c.6017A>T (p.Asp2006Val)

Gene: FREM2 (FRAS1 related extracellular matrix 2; plus strand). Cytogenetic location: 13q13.3.
Variant type: single nucleotide variant.
Coding change: c.6017A>T on transcript NM_207361.6 (MANE Select); coding-DNA position 6017, A replaced by T.
Protein change: p.Asp2006Val; replaces aspartic acid 2006 with valine.
Molecular consequence: missense variant.
Genome position (GRCh38, 1-based): chr13:38,784,806, A>T. VCF-style: chr13-38784806-A-T. GRCh37 (hg19) VCF-style: chr13-39358943-A-T.
Other names: short protein forms D2006V.
Identifiers: ClinVar variation 3764609 (VCV003764609.1), dbSNP rs763903628.
Genomic context (GRCh38, chr13:38,784,806, plus strand): 5'-GGGGAAGAATCGGATCAGAGTTCCCAGGGGCTCAAGTTACAATCGTTCCTGACAAAGATG[A>T]TGGTGAGTACTAATTTACTTGAAAATTCTTTTTCCCGGGAAGATCAACATCAGGAACAAC-3'
Protein context (NP_997244.4, residues 1996-2016): AQVTIVPDKD[Asp2006Val]EPIFYFGDVE

ClinVar aggregate classification (germline): Uncertain significance (1 of 4 stars; one submission).

Conditions:
FREM2-related disorder. Also called: FREM2-related condition.

gnomAD v4.1: 32 of 1,613,996 alleles (0.002%); highest among the groups gnomAD compares: Non-Finnish European, 0.0026%; no homozygotes.

Submission:

Daryl Scott Lab, Baylor College of Medicine
Classification: Uncertain significance for FREM2-related disorder. Last evaluated: 2024-01-01. Review status: criteria provided, single submitter. Criteria: ACMG Guidelines, 2015. Collection method: clinical testing. Allele origin: unknown. Observed: 1 heterozygote.
Comment: PM2, PP3